The following is an entry in ClinVar:

NM_133510.4(RAD51B):c.1018G>C (p.Glu340Gln)

Gene: RAD51B (RAD51 paralog B; plus strand). Cytogenetic location: 14q24.1.
Variant type: single nucleotide variant.
Coding change: c.1018G>C on transcript NM_133510.4 (MANE Select); coding-DNA position 1018, G replaced by C.
Protein change: p.Glu340Gln; replaces glutamic acid 340 with glutamine.
Molecular consequence: missense variant.
Genome position (GRCh38, 1-based): chr14:68,468,232, G>C. VCF-style: chr14-68468232-G-C. GRCh37 (hg19) VCF-style: chr14-68934949-G-C.
Other names: c.1018G>C, p.Glu340Gln (NM_001321809.2, NM_001321810.2, NM_001321812.1 and 6 more transcripts); c.904G>C, p.Glu302Gln (NM_001321815.1); c.661G>C, p.Glu221Gln (NM_001321817.2); short protein forms E302Q, E340Q, E221Q.
Identifiers: ClinVar variation 3942251 (VCV003942251.1).
Genomic context (GRCh38, chr14:68,468,232, plus strand): 5'-ATTCTTATTGCCAAGTCCCCTCTGGCTCCCTTCACCTCATTTGTCTACACCATCAAGGAG[G>C]AAGGCCTGGTTCTTCAAGGTAAGATCCTTGGATTAAGCCATTTCTTTAAGCTTATGCTCA-3'
Protein context (NP_598194.1, residues 330-350): FTSFVYTIKE[Glu340Gln]GLVLQGQEKP

ClinVar aggregate classification (germline): Uncertain significance (1 of 4 stars; one submission).

gnomAD v4.1: 15 of 1,613,682 alleles (0.00093%); highest among the groups gnomAD compares: Non-Finnish European, 0.0012%; no homozygotes.

Submission:

Ambry Genetics
Classification: Uncertain significance. Last evaluated: 2025-04-28. Review status: criteria provided, single submitter. Criteria: Ambry Variant Classification Scheme 2023. Collection method: clinical testing. Allele origin: germline.
Comment: The p.E340Q variant (also known as c.1018G>C), located in coding exon 9 of the RAD51B gene, results from a G to C substitution at nucleotide position 1018. The glutamic acid at codon 340 is replaced by glutamine, an amino acid with highly similar properties. This amino acid position is well conserved in available vertebrate species. In addition, this alteration is predicted to be tolerated by in silico analysis. The evidence for this gene-disease relationship is limited; therefore, the clinical significance of this alteration is unclear.